The following is an entry in ClinVar:

NM_004260.4(RECQL4):c.455C>T (p.Ala152Val)

Gene: RECQL4 (RecQ like helicase 4; minus strand). Cytogenetic location: 8q24.3.
Variant type: single nucleotide variant.
Coding change: c.455C>T on transcript NM_004260.4 (MANE Select); coding-DNA position 455, C replaced by T.
Protein change: p.Ala152Val; replaces alanine 152 with valine.
Molecular consequence: missense variant.
Genome position (GRCh38, 1-based): chr8:144,516,664, G>A on the plus strand (C>T on the coding strand, the complement: RECQL4 is on the minus strand). VCF-style: chr8-144516664-G-A. GRCh37 (hg19) VCF-style: chr8-145742048-G-A.
Other names: c.455C>T (NM_004260.3); short protein forms A152V.
Identifiers: ClinVar variation 1414002 (VCV001414002.7), dbSNP rs774699880, ClinGen allele CA4949286.

ClinVar aggregate classification (germline): Uncertain significance. Review status: criteria provided, multiple submitters, no conflicts (2 of 4 stars). 2 submissions from 2 submitters: Uncertain significance (2). Last evaluated 2024-11-22.

Conditions:
Inborn genetic diseases. Identifiers: MedGen C0950123, MeSH D030342.
Baller-Gerold syndrome (BGS). Also called: CRANIOSYNOSTOSIS WITH RADIAL DEFECTS. Identifiers: Orphanet 1225, MedGen C0265308, MONDO:0009039, OMIM 218600.

Allele frequency attached by ClinVar (database versions not stated): gnomAD exomes 0.00005; ExAC 0.00007.
gnomAD v4.1: 31 of 1,599,906 alleles (0.0019%); highest among the groups gnomAD compares: Non-Finnish European, 0.00077%; no homozygotes.

Submissions (2):

Ambry Genetics
Classification: Uncertain significance for Inborn genetic diseases. Last evaluated: 2024-11-22. Review status: criteria provided, single submitter. Criteria: Ambry Variant Classification Scheme 2023. Collection method: clinical testing. Allele origin: germline.
Comment: The p.A152V variant (also known as c.455C>T), located in coding exon 5 of the RECQL4 gene, results from a C to T substitution at nucleotide position 455. The alanine at codon 152 is replaced by valine, an amino acid with similar properties. This amino acid position is conserved. In addition, this alteration is predicted to be tolerated by in silico analysis. Based on the available evidence, the clinical significance of this variant remains unclear.

Labcorp Genetics (formerly Invitae), Labcorp
Classification: Uncertain significance for Baller-Gerold syndrome. Last evaluated: 2023-10-25. Review status: criteria provided, single submitter. Criteria: Invitae Variant Classification Sherloc (09022015). Collection method: clinical testing. Allele origin: germline.
Comment: This sequence change replaces alanine, which is neutral and non-polar, with valine, which is neutral and non-polar, at codon 152 of the RECQL4 protein (p.Ala152Val). This variant is present in population databases (rs774699880, gnomAD 0.02%). This variant has not been reported in the literature in individuals affected with RECQL4-related conditions. ClinVar contains an entry for this variant (Variation ID: 1414002). Advanced modeling of protein sequence and biophysical properties (such as structural, functional, and spatial information, amino acid conservation, physicochemical variation, residue mobility, and thermodynamic stability) performed at Invitae indicates that this missense variant is not expected to disrupt RECQL4 protein function with a negative predictive value of 80%. In summary, the available evidence is currently insufficient to determine the role of this variant in disease. Therefore, it has been classified as a Variant of Uncertain Significance.